The following is an entry in ClinVar:

ClinVar aggregate classification (germline): Benign (0 of 4 stars; one submission).

Conditions:
TRPM3-related disorder. Also called: TRPM3-related condition.

Allele frequency attached by ClinVar (database versions not stated): gnomAD exomes 0.00074; ExAC 0.00233; ESP Exome Variant Server 0.00677; gnomAD 0.00741; TOPMed 0.00826; 1000 Genomes Project 0.00859; 1000 Genomes Project 30x 0.00859.
gnomAD v4.1: 2,261 of 1,614,178 alleles (0.14%); highest among the groups gnomAD compares: African/African-American, 2.6%; 31 homozygotes.

Submission:

PreventionGenetics, part of Exact Sciences
Classification: Benign for TRPM3-related condition. Last evaluated: 2019-03-08. Review status: no assertion criteria provided. Collection method: clinical testing. Allele origin: germline.
Comment: This variant is classified as benign based on ACMG/AMP sequence variant interpretation guidelines (Richards et al. 2015 PMID: 25741868, with internal and published modifications).

NM_001366145.2(TRPM3):c.2997C>T (p.Ile999=)

Gene: TRPM3 (transient receptor potential cation channel subfamily M member 3; minus strand). Cytogenetic location: 9q21.12.
Variant type: single nucleotide variant.
Coding change: c.2997C>T on transcript NM_001366145.2 (MANE Select); coding-DNA position 2997, C replaced by T.
Protein change: p.Ile999=; no amino-acid change (isoleucine 999 retained).
Molecular consequence: synonymous variant.
Genome position (GRCh38, 1-based): chr9:70,598,470, G>A on the plus strand (C>T on the coding strand, the complement: TRPM3 is on the minus strand). VCF-style: chr9-70598470-G-A. GRCh37 (hg19) VCF-style: chr9-73213386-G-A.
Other names: c.2961C>T, p.Ile987= (NM_001007471.4, NM_001366151.2); c.2967C>T, p.Ile989= (NM_001366141.2, NM_001366143.2, NM_001366149.2); c.3003C>T, p.Ile1001= (NM_001366142.2); c.2997C>T, p.Ile999= (NM_001366146.2); c.3072C>T, p.Ile1024= (NM_001366147.2, NM_001366152.2); c.3042C>T, p.Ile1014= (NM_001366148.2); c.2931C>T, p.Ile977= (NM_001366150.2); c.2538C>T, p.Ile846= (NM_001366154.2, NM_024971.7); and 5 more.
Identifiers: ClinVar variation 3043850 (VCV003043850.2), dbSNP rs34994337, ClinGen allele CA5078157.